The following is an entry in ClinVar:

NM_024036.5(LRFN4):c.783C>T (p.Pro261=)

Genes: LRFN4 (leucine rich repeat and fibronectin type III domain containing 4; plus strand), PC (pyruvate carboxylase; minus strand). Cytogenetic location: 11q13.2.
Variant type: single nucleotide variant.
Coding change: c.783C>T on transcript NM_024036.5 (MANE Select); coding-DNA position 783, C replaced by T.
Protein change: p.Pro261=; no amino-acid change (proline 261 retained).
Molecular consequence: synonymous variant. On other transcripts: intron variant (3).
Genome position (GRCh38, 1-based): chr11:66,858,527, C>T. VCF-style: chr11-66858527-C-T. GRCh37 (hg19) VCF-style: chr11-66625998-C-T.
Other names: c.783C>T, p.Pro261= (NM_001363524.2); c.1369-5144G>A (NM_000920.4, NM_001040716.2, NM_022172.3).
Identifiers: ClinVar variation 3388292 (VCV003388292.14).

ClinVar aggregate classification (germline): Likely benign (1 of 4 stars; one submission).

gnomAD v4.1: 13 of 1,533,736 alleles (0.00085%); highest among the groups gnomAD compares: East Asian, 0.0024%; no homozygotes.

Submission:

CeGaT Center for Human Genetics Tuebingen
Classification: Likely benign. Last evaluated: 2024-10-01. Review status: criteria provided, single submitter. Criteria: CeGaT Center For Human Genetics Tuebingen Variant Classification Criteria Version 2. Collection method: clinical testing. Allele origin: germline. Affected: yes. Observed: 1 variant allele.
Comment: LRFN4: BP4, BP7